The following is an entry in ClinVar:

NM_016219.5(MAN1B1):c.120GCC[6] (p.Pro45dup)

Genes: MAN1B1 (mannosidase alpha class 1B member 1; plus strand), LOC130003078 (ATAC-STARR-seq lymphoblastoid active region 29343; plus strand). Cytogenetic location: 9q34.3.
Variant type: Microsatellite.
Coding change: c.120GCC[6] on transcript NM_016219.5 (MANE Select); six copies in a row of the 3-base unit GCC starting at c.120; the reference has five copies in a row; one copy, 3 bases duplicated; also written c.132_134dup.
Protein change: p.Pro45dup; duplicates proline 45.
Molecular consequence: inframe insertion. On other transcripts: non-coding transcript variant (2).
Genome position (GRCh38, 1-based): chr9:137,087,131-137,087,133, GCC duplicated; duplicating any 3 consecutive bases within chr9:137,087,117-137,087,133 gives the same sequence; the position shown is the placement nearest the transcript's 3' end. VCF-style (leftmost placement, unchanged base first): chr9-137087116-A-ACCG. GRCh37 (hg19) VCF-style: chr9-139981568-A-ACCG.
Other names: c.132_134dup (NM_016219.4).
Identifiers: ClinVar variation 588085 (VCV000588085.17), dbSNP rs538804415, ClinGen allele CA5358461.

ClinVar aggregate classification (germline): Likely benign. Review status: criteria provided, multiple submitters, no conflicts (2 of 4 stars). 5 submissions from 5 submitters: Likely benign (3). 2 of the submissions do not count toward it. Last evaluated 2026-07-01.

Conditions:
MAN1B1-related disorder. Also called: MAN1B1-related condition; MAN1B1-related disorders.
Rafiq syndrome (RAFQS). Identifiers: Orphanet 88616, MedGen C3280127, MONDO:0013624, OMIM 614202.
Intellectual disability. Also called: Intellectual functioning disability; intellectual disabilities; Intellectual developmental disorder. Identifiers: MedGen C3714756, MeSH D008607, MONDO:0001071, HP:0001249.
Inborn genetic diseases. Identifiers: MedGen C0950123, MeSH D030342.

Submissions (5):

CeGaT Center for Human Genetics Tuebingen
Classification: Likely benign. Last evaluated: 2026-07-01. Review status: criteria provided, single submitter. Criteria: CeGaT Center For Human Genetics Tuebingen Variant Classification Criteria Version 2. Collection method: clinical testing. Allele origin: germline. Affected: yes. Observed: 1 variant allele.
Comment: MAN1B1: PM4:Supporting, BS2

Labcorp Genetics (formerly Invitae), Labcorp
Classification: Likely benign for Rafiq syndrome. Last evaluated: 2026-01-05. Review status: criteria provided, single submitter. Criteria: Invitae Variant Classification Sherloc (09022015). Collection method: clinical testing. Allele origin: germline.

Ambry Genetics
Classification: Likely benign for Inborn genetic diseases. Last evaluated: 2021-08-09. Review status: criteria provided, single submitter. Criteria: Ambry Variant Classification Scheme 2023. Collection method: clinical testing. Allele origin: germline.

PreventionGenetics, part of Exact Sciences
Classification: Likely benign for MAN1B1-related condition. Last evaluated: 2022-04-15. Review status: no assertion criteria provided. Collection method: clinical testing. Allele origin: germline. Not counted in ClinVar's aggregate classification.
Comment: This variant is classified as likely benign based on ACMG/AMP sequence variant interpretation guidelines (Richards et al. 2015 PMID: 25741868, with internal and published modifications).

Centre de Biologie Pathologie Génétique, Centre Hospitalier Universitaire de Lille
Classification: Likely benign for Intellectual disability. Last evaluated: 2019-01-01. Review status: no assertion criteria provided. Collection method: clinical testing. Allele origin: inherited. Affected: yes. Not counted in ClinVar's aggregate classification.